The following is an entry in ClinVar:

NM_016648.4(LARP7):c.936A>T (p.Val312=)

Genes: LARP7 (La ribonucleoprotein 7, transcriptional regulator; plus strand), MIR302CHG (miR-302/367 cluster host gene; minus strand). Cytogenetic location: 4q25.
Variant type: single nucleotide variant.
Coding change: c.936A>T on transcript NM_016648.4 (MANE Select); coding-DNA position 936, A replaced by T.
Protein change: p.Val312=; no amino-acid change (valine 312 retained).
Molecular consequence: synonymous variant.
Genome position (GRCh38, 1-based): chr4:112,647,488, A>T. VCF-style: chr4-112647488-A-T. GRCh37 (hg19) VCF-style: chr4-113568644-A-T.
Other names: c.936A>T, p.Val312= (NM_015454.3, NM_001267039.4, NM_001370974.1 and 2 more transcripts); c.933A>T, p.Val311= (NM_001370976.1, NM_001370977.1, NM_001370979.1 and 1 more transcripts); c.699A>T, p.Val233= (NM_001370981.1, NM_001370982.1).
Identifiers: ClinVar variation 4874978 (VCV004874978.2).
Genomic context (GRCh38, chr4:112,647,488, plus strand): 5'-AGGGAAGAGGAAGAGAAGCAGCTCTGAAGATGCAGAATCCCTAGCTCCCCGATCAAAAGT[A>T]AAGAAAATTATTCAGAAAGACATCATTAAGGAAGCATCAGAAGCTTCCAAGGAAAATAGA-3'
Protein context (NP_057732.2, residues 302-322): DAESLAPRSK[Val312=]KKIIQKDIIK

ClinVar aggregate classification (germline): Likely benign (1 of 4 stars; one submission).

Submission:

CeGaT Center for Human Genetics Tuebingen
Classification: Likely benign. Last evaluated: 2026-05-01. Review status: criteria provided, single submitter. Criteria: CeGaT Center For Human Genetics Tuebingen Variant Classification Criteria Version 2. Collection method: clinical testing. Allele origin: germline. Affected: yes. Observed: 1 variant allele.
Comment: LARP7: PM2:Supporting, BP4, BP7